The following is an entry in ClinVar:

NM_001386795.1(DTNA):c.435G>A (p.Met145Ile)

Gene: DTNA (dystrobrevin alpha; plus strand). Cytogenetic location: 18q12.1.
Variant type: single nucleotide variant.
Coding change: c.435G>A on transcript NM_001386795.1 (MANE Select); coding-DNA position 435, G replaced by A.
Protein change: p.Met145Ile; replaces methionine 145 with isoleucine.
Molecular consequence: missense variant.
Genome position (GRCh38, 1-based): chr18:34,806,291, G>A. VCF-style: chr18-34806291-G-A. GRCh37 (hg19) VCF-style: chr18-32386255-G-A.
Other names: c.435G>A, p.Met145Ile (NM_001198940.2, NM_001198941.2, NM_001198945.2 and 35 more transcripts); short protein forms M145I.
Identifiers: ClinVar variation 228655 (VCV000228655.4), dbSNP rs751953774, ClinGen allele CA8935383.

ClinVar aggregate classification (germline): Uncertain significance (1 of 4 stars; one submission).

Allele frequency attached by ClinVar (database versions not stated): gnomAD exomes below 0.00001 and 0.00001; TOPMed below 0.00001; ExAC 0.00001; gnomAD 0.00001.

Submission:

Laboratory for Molecular Medicine, Mass General Brigham Personalized Medicine
Classification: Uncertain significance. Last evaluated: 2015-12-04. Review status: criteria provided, single submitter. Criteria: LMM Criteria. Collection method: clinical testing. Allele origin: germline. Observed: 1 variant allele.
Comment: The p.Met145Ile variant in DTNA has not been previously reported in individuals with cardiomyopathy, but has been identified in 1/65872 European chromosomes by the Exome Aggregation Consortium (ExAC; dbSNP rs 751953774). Computational prediction tools and conservation analysis do not prov ide strong support for or against an impact to the protein. In summary, the clin ical significance of the p.Met145Ile variant is uncertain.